The following is an entry in ClinVar:

NM_182916.3(TRNT1):c.622_623del (p.Ile208fs)

Gene: TRNT1 (tRNA nucleotidyl transferase 1; plus strand). Cytogenetic location: 3p26.2.
Variant type: Deletion.
Coding change: c.622_623del on transcript NM_182916.3 (MANE Select); coding-DNA positions 622 to 623, 2 bases deleted (AT; older notation c.622_623delAT).
Protein change: p.Ile208fs; shifts the reading frame from isoleucine 208.
Molecular consequence: frameshift variant. On other transcripts: non-coding transcript variant (6).
Genome position (GRCh38, 1-based): chr3:3,146,443-3,146,444, AT deleted. VCF-style (leftmost placement, unchanged base first): chr3-3146442-AAT-A. GRCh37 (hg19) VCF-style: chr3-3188126-AAT-A.
Other names: c.622_623del, p.Ile208fs (NM_001302946.2, NM_001367321.1, NM_001367322.1 and 1 more transcripts); short protein forms I208fs.
Identifiers: ClinVar variation 1457594 (VCV001457594.6), dbSNP rs1259648157, ClinGen allele CA906202334.

ClinVar aggregate classification (germline): Pathogenic (1 of 4 stars; one submission).

Conditions:
Congenital sideroblastic anemia-B-cell immunodeficiency-periodic fever-developmental delay syndrome. Also called: Sideroblastic anemia with B-cell immunodeficiency, periodic fevers, and developmental delay. Identifiers: Orphanet 369861, MedGen C4015172, MONDO:0014487, OMIM 616084.

Allele frequency attached by ClinVar (database versions not stated): gnomAD 0.00001; TOPMed 0.00001.

Submission:

Labcorp Genetics (formerly Invitae), Labcorp
Classification: Pathogenic for Congenital sideroblastic anemia-B-cell immunodeficiency-periodic fever-developmental delay syndrome. Last evaluated: 2022-07-05. Review status: criteria provided, single submitter. Criteria: Invitae Variant Classification Sherloc (09022015). Collection method: clinical testing. Allele origin: germline.
Comment: This sequence change creates a premature translational stop signal (p.Ile208Cysfs*6) in the TRNT1 gene. It is expected to result in an absent or disrupted protein product. Loss-of-function variants in TRNT1 are known to be pathogenic (PMID: 25193871). For these reasons, this variant has been classified as Pathogenic. ClinVar contains an entry for this variant (Variation ID: 1457594). This variant has not been reported in the literature in individuals affected with TRNT1-related conditions. This variant is not present in population databases (gnomAD no frequency).

Literature cited by the submitters: PubMed 25193871.